The following is an entry in ClinVar:

ClinVar aggregate classification (germline): Likely benign. Review status: criteria provided, single submitter (1 of 4 stars). 2 submissions from 2 submitters: Likely benign (1). 1 of the submissions does not count toward it. Last evaluated 2024-07-19.

Conditions:
D2HGDH-related disorder. Also called: D2HGDH-related condition.
D-2-hydroxyglutaric aciduria 1 (D2HGA1). Identifiers: Orphanet 79315, MedGen C3152055, MONDO:0024554, OMIM 600721.

Allele frequency attached by ClinVar (database versions not stated): gnomAD 0.00001; gnomAD exomes 0.00001; TOPMed 0.00001; ExAC 0.00004.
gnomAD v4.1: 22 of 1,613,894 alleles (0.0014%); highest among the groups gnomAD compares: East Asian, 0.011%; no homozygotes.

Submissions (2):

Labcorp Genetics (formerly Invitae), Labcorp
Classification: Likely benign for D-2-hydroxyglutaric aciduria 1. Last evaluated: 2024-07-19. Review status: criteria provided, single submitter. Criteria: Invitae Variant Classification Sherloc (09022015). Collection method: clinical testing. Allele origin: germline.

PreventionGenetics, part of Exact Sciences
Classification: Likely benign for D2HGDH-related condition. Last evaluated: 2019-04-25. Review status: no assertion criteria provided. Collection method: clinical testing. Allele origin: germline. Not counted in ClinVar's aggregate classification.
Comment: This variant is classified as likely benign based on ACMG/AMP sequence variant interpretation guidelines (Richards et al. 2015 PMID: 25741868, with internal and published modifications).

NM_152783.5(D2HGDH):c.1050C>T (p.Asp350=)

Gene: D2HGDH (D-2-hydroxyglutarate dehydrogenase; plus strand). Cytogenetic location: 2q37.3.
Variant type: single nucleotide variant.
Coding change: c.1050C>T on transcript NM_152783.5 (MANE Select); coding-DNA position 1050, C replaced by T.
Protein change: p.Asp350=; no amino-acid change (aspartic acid 350 retained).
Molecular consequence: synonymous variant.
Genome position (GRCh38, 1-based): chr2:241,751,298, C>T. VCF-style: chr2-241751298-C-T. GRCh37 (hg19) VCF-style: chr2-242690713-C-T.
Other names: c.648C>T, p.Asp216= (NM_001287249.2); c.489C>T, p.Asp163= (NM_001352824.2).
Identifiers: ClinVar variation 3058454 (VCV003058454.4), dbSNP rs748635429, ClinGen allele CA2221905.